The following is an entry in ClinVar:

ClinVar aggregate classification (germline): Uncertain significance. Review status: criteria provided, multiple submitters, no conflicts (2 of 4 stars). 3 submissions from 3 submitters: Uncertain significance (3). Last evaluated 2025-08-20.

Conditions:
Inborn genetic diseases. Identifiers: MedGen C0950123, MeSH D030342.

Allele frequency attached by ClinVar (database versions not stated): gnomAD 0.00001.
gnomAD v4.1: 6 of 1,396,562 alleles (0.00043%); highest among the groups gnomAD compares: Non-Finnish European, 0.00056%; no homozygotes.

Submissions (3):

Labcorp Genetics (formerly Invitae), Labcorp
Classification: Uncertain significance. Last evaluated: 2025-08-20. Review status: criteria provided, single submitter. Criteria: Invitae Variant Classification Sherloc (09022015). Collection method: clinical testing. Allele origin: germline.
Comment: This sequence change replaces proline, which is neutral and non-polar, with serine, which is neutral and polar, at codon 9 of the COL9A3 protein (p.Pro9Ser). This variant is present in population databases (no rsID available, gnomAD 0.007%). This variant has not been reported in the literature in individuals affected with COL9A3-related conditions. ClinVar contains an entry for this variant (Variation ID: 1464984). Invitae Evidence Modeling of protein sequence and biophysical properties (such as structural, functional, and spatial information, amino acid conservation, physicochemical variation, residue mobility, and thermodynamic stability) indicates that this missense variant is not expected to disrupt COL9A3 protein function with a negative predictive value of 95%. In summary, the available evidence is currently insufficient to determine the role of this variant in disease. Therefore, it has been classified as a Variant of Uncertain Significance.

GeneDx
Classification: Uncertain significance. Last evaluated: 2022-10-12. Review status: criteria provided, single submitter. Criteria: GeneDx Variant Classification Process June 2021. Collection method: clinical testing. Allele origin: germline. Affected: yes.
Comment: Has not been previously published as pathogenic or benign to our knowledge; Not observed at significant frequency in large population cohorts (gnomAD); In silico analysis supports that this missense variant does not alter protein structure/function

Ambry Genetics
Classification: Uncertain significance for Inborn genetic diseases. Last evaluated: 2022-07-20. Review status: criteria provided, single submitter. Criteria: Ambry Variant Classification Scheme 2023. Collection method: clinical testing. Allele origin: germline.

NM_001853.4(COL9A3):c.25C>T (p.Pro9Ser)

Gene: COL9A3 (collagen type IX alpha 3 chain; plus strand). Cytogenetic location: 20q13.33.
Variant type: single nucleotide variant.
Coding change: c.25C>T on transcript NM_001853.4 (MANE Select); coding-DNA position 25, C replaced by T.
Protein change: p.Pro9Ser; replaces proline 9 with serine.
Molecular consequence: missense variant.
Genome position (GRCh38, 1-based): chr20:62,817,089, C>T. VCF-style: chr20-62817089-C-T. GRCh37 (hg19) VCF-style: chr20-61448441-C-T.
Other names: short protein forms P9S.
Identifiers: ClinVar variation 1464984 (VCV001464984.9), dbSNP rs1391056058, ClinGen allele CA409586758.